The following is an entry in ClinVar:

NM_006662.3(SRCAP):c.2956C>T (p.Arg986Trp)

Gene: SRCAP (Snf2 related CREBBP activator protein; plus strand). Cytogenetic location: 16p11.2.
Variant type: single nucleotide variant.
Coding change: c.2956C>T on transcript NM_006662.3 (MANE Select); coding-DNA position 2956, C replaced by T.
Protein change: p.Arg986Trp; replaces arginine 986 with tryptophan.
Molecular consequence: missense variant.
Genome position (GRCh38, 1-based): chr16:30,720,300, C>T. VCF-style: chr16-30720300-C-T. GRCh37 (hg19) VCF-style: chr16-30731621-C-T.
Other names: short protein forms R986W.
Identifiers: ClinVar variation 1497378 (VCV001497378.7), dbSNP rs2052998876, ClinGen allele CA395613021.

ClinVar aggregate classification (germline): Uncertain significance. Review status: criteria provided, multiple submitters, no conflicts (2 of 4 stars). 2 submissions from 2 submitters: Uncertain significance (2). Last evaluated 2024-06-26.

Conditions:
Floating-Harbor syndrome (FLHS). Also called: Short stature with delayed bone age, expressive language delay, a triangular face with a prominent nose and deep-set eyes; Pelletier-Leisti syndrome; SRCAP-Related Floating-Harbor Syndrome. Identifiers: Orphanet 2044, MedGen C0729582, MONDO:0007621, OMIM 136140.
Developmental delay, hypotonia, musculoskeletal defects, and behavioral abnormalities. Identifiers: MedGen C5562012, MONDO:0859202, OMIM 619595.

Submissions (2):

Labcorp Genetics (formerly Invitae), Labcorp
Classification: Uncertain significance. Last evaluated: 2024-06-26. Review status: criteria provided, single submitter. Criteria: Invitae Variant Classification Sherloc (09022015). Collection method: clinical testing. Allele origin: germline.
Comment: This sequence change replaces arginine, which is basic and polar, with tryptophan, which is neutral and slightly polar, at codon 986 of the SRCAP protein (p.Arg986Trp). This variant is not present in population databases (gnomAD no frequency). This variant has not been reported in the literature in individuals affected with SRCAP-related conditions. ClinVar contains an entry for this variant (Variation ID: 1497378). Advanced modeling of protein sequence and biophysical properties (such as structural, functional, and spatial information, amino acid conservation, physicochemical variation, residue mobility, and thermodynamic stability) has been performed at Invitae for this missense variant, however the output from this modeling did not meet the statistical confidence thresholds required to predict the impact of this variant on SRCAP protein function. In summary, the available evidence is currently insufficient to determine the role of this variant in disease. Therefore, it has been classified as a Variant of Uncertain Significance.

Fulgent Genetics
Classification: Uncertain significance for Floating-Harbor syndrome; Developmental delay, hypotonia, musculoskeletal defects, and behavioral abnormalities. Last evaluated: 2022-02-09. Review status: criteria provided, single submitter. Criteria: ACMG Guidelines, 2015. Collection method: clinical testing. Allele origin: unknown.